The following is an entry in ClinVar:

ClinVar aggregate classification (germline): Pathogenic (1 of 4 stars; one submission).

Submission:

Labcorp Genetics (formerly Invitae), Labcorp
Classification: Pathogenic. Last evaluated: 2022-10-17. Review status: criteria provided, single submitter. Criteria: Invitae Variant Classification Sherloc (09022015). Collection method: clinical testing. Allele origin: germline.
Comment: For these reasons, this variant has been classified as Pathogenic. This variant has not been reported in the literature in individuals affected with LARP7-related conditions. This variant is not present in population databases (gnomAD no frequency). This sequence change creates a premature translational stop signal (p.Lys410Argfs*19) in the LARP7 gene. It is expected to result in an absent or disrupted protein product. Loss-of-function variants in LARP7 are known to be pathogenic (PMID: 22865833, 26374271, 26607181).

Literature cited by the submitters: PubMed 22865833; PubMed 26374271; PubMed 26607181.

NM_016648.4(LARP7):c.1227_1231del (p.Lys410fs)

Genes: LARP7 (La ribonucleoprotein 7, transcriptional regulator; plus strand), MIR302CHG (miR-302/367 cluster host gene; minus strand). Cytogenetic location: 4q25.
Variant type: Deletion.
Coding change: c.1227_1231del on transcript NM_016648.4 (MANE Select); coding-DNA positions 1227 to 1231, 5 bases deleted (AAAAT; older notation c.1227_1231delAAAAT).
Protein change: p.Lys410fs; shifts the reading frame from lysine 410.
Molecular consequence: frameshift variant.
Genome position (GRCh38, 1-based): chr4:112,649,619-112,649,623, AAAAT deleted; deleting any 5 consecutive bases within chr4:112,649,615-112,649,623 gives the same sequence; the c. name uses the placement nearest the transcript's 3' end. VCF-style (leftmost placement, unchanged base first): chr4-112649614-CAAATA-C. GRCh37 (hg19) VCF-style: chr4-113570770-CAAATA-C.
Other names: c.1227_1231del, p.Lys410fs (NM_001267039.4, NM_001370978.1, NM_015454.3); c.1266_1270del, p.Lys423fs (NM_001370974.1, NM_001370975.1); c.1263_1267del, p.Lys422fs (NM_001370976.1, NM_001370977.1); c.1224_1228del, p.Lys409fs (NM_001370979.1, NM_001370980.1); c.990_994del, p.Lys331fs (NM_001370981.1, NM_001370982.1); short protein forms K331fs, K410fs, K422fs, K409fs, K423fs.
Identifiers: ClinVar variation 1926459 (VCV001926459.5), dbSNP rs2048609833, ClinGen allele CA1486037750.